The following is an entry in ClinVar:

ClinVar aggregate classification (germline): Conflicting classifications of pathogenicity. Review status: criteria provided, conflicting classifications (1 of 4 stars). 2 submissions from 2 submitters: Uncertain significance (1); Likely benign (1). Last evaluated 2024-03-21.

Conditions:
Charcot-Marie-Tooth disease type 2. Also called: Charcot-Marie-Tooth type 2. Identifiers: Orphanet 64746, MedGen C0270914, MONDO:0018993.

Allele frequency attached by ClinVar (database versions not stated): gnomAD 0.00001; gnomAD exomes 0.00001; ExAC 0.00002.
gnomAD v4.1: 14 of 1,613,098 alleles (0.00087%); highest among the groups gnomAD compares: South Asian, 0.013%; no homozygotes.

Submissions (2):

Labcorp Genetics (formerly Invitae), Labcorp
Classification: Likely benign for Charcot-Marie-Tooth disease type 2. Last evaluated: 2024-03-21. Review status: criteria provided, single submitter. Criteria: Invitae Variant Classification Sherloc (09022015). Collection method: clinical testing. Allele origin: germline.

Ambry Genetics
Classification: Uncertain significance. Last evaluated: 2024-03-01. Review status: criteria provided, single submitter. Criteria: Ambry Variant Classification Scheme 2023. Collection method: clinical testing. Allele origin: germline.
Comment: The c.3675G>A variant (also known as p.V1225V), located in coding exon 33 of the KIF1B gene, results from a G to A substitution at nucleotide position 3675. This nucleotide substitution does not change the valine at codon 1225. This nucleotide position is not well conserved in available vertebrate species. In silico splice site analysis for this alteration is inconclusive. The evidence for this gene-disease relationship is limited; therefore, the clinical significance of this alteration is unclear.

NM_001365951.3(KIF1B):c.3813G>A (p.Val1271=)

Gene: KIF1B (kinesin family member 1B; plus strand). Cytogenetic location: 1p36.22.
Variant type: single nucleotide variant.
Coding change: c.3813G>A on transcript NM_001365951.3 (MANE Select); coding-DNA position 3813, G replaced by A.
Protein change: p.Val1271=; no amino-acid change (valine 1271 retained).
Molecular consequence: synonymous variant.
Genome position (GRCh38, 1-based): chr1:10,347,776, G>A. VCF-style: chr1-10347776-G-A. GRCh37 (hg19) VCF-style: chr1-10407834-G-A.
Other names: c.3813G>A, p.Val1271= (NM_001365952.1); c.3675G>A, p.Val1225= (NM_015074.3).
Identifiers: ClinVar variation 3226472 (VCV003226472.3), dbSNP rs780521474, ClinGen allele CA581889.